The following is an entry in ClinVar:

ClinVar aggregate classification (germline): Uncertain significance. Review status: criteria provided, single submitter (1 of 4 stars). 2 submissions from 2 submitters: Uncertain significance (1). 1 of the submissions does not count toward it. Last evaluated 2018-01-18.

Conditions:
Usher syndrome type 3. Also called: Usher Syndrome, Type III. Identifiers: Orphanet 231183, MedGen C1568248, MONDO:0016485.

Allele frequency attached by ClinVar (database versions not stated): TOPMed below 0.00001.
gnomAD v4.1: 1 of 1,614,234 alleles (0.000062%); highest among the groups gnomAD compares: Non-Finnish European, 0.000085%; no homozygotes.

Submissions (2):

ARUP Laboratories, Molecular Genetics and Genomics, ARUP Laboratories
Classification: Uncertain significance. Last evaluated: 2018-01-18. Review status: criteria provided, single submitter. Criteria: ARUP Molecular Germline Variant Investigation Process. Collection method: clinical testing. Allele origin: germline.
Comment: The p.Val15Met variant has not been reported in the medical literature, gene specific variation databases, nor has it been previously identified by our laboratory. It is absent from general population databases such as 1000 Genomes, NHLBI GO Exome Sequencing Project (ESP), and the Genome Aggregation Database (gnomAD). The valine at position 15 is highly conserved up to zebrafish considering 12 species (Alamut v2.10) and computational analyses of the effects of the p.Val15Met variant on protein structure and function provide conflicting results (SIFT: tolerated, MutationTaster: disease causing, PolyPhen-2: benign). Altogether, there is not enough evidence to classify the p.Val15Met variant with certainty.

Natera, Inc.
Classification: Uncertain significance for Usher syndrome type 3. Last evaluated: 2021-06-04. Review status: no assertion criteria provided. Collection method: clinical testing. Allele origin: germline. Not counted in ClinVar's aggregate classification.

NM_174878.3(CLRN1):c.43G>A (p.Val15Met)

Gene: CLRN1 (clarin 1; minus strand). Cytogenetic location: 3q25.1.
Variant type: single nucleotide variant.
Coding change: c.43G>A on transcript NM_174878.3 (MANE Select); coding-DNA position 43, G replaced by A.
Protein change: p.Val15Met; replaces valine 15 with methionine.
Molecular consequence: missense variant. On other transcripts: non-coding transcript variant (1).
Genome position (GRCh38, 1-based): chr3:150,972,666, C>T on the plus strand (G>A on the coding strand, the complement: CLRN1 is on the minus strand). VCF-style: chr3-150972666-C-T. GRCh37 (hg19) VCF-style: chr3-150690453-C-T.
Other names: c.43G>A, p.Val15Met (NM_001195794.1, NM_001256819.2); short protein forms V15M.
Identifiers: ClinVar variation 618568 (VCV000618568.9), dbSNP rs1559996357, ClinGen allele CA355012174.
Genomic context (GRCh38, chr3:150,972,666, plus strand): 5'-TGATCCACAACGGTGTCCCCAAGGCTGTCACAACTCCGAGGGCACATGCAAAACTGAACA[C>T]TCCGGCCATGCAAAAAATGATTTTCTTCTGTTGGCTTGGCATGATGAGAAACGGCTTCTG-3'
Protein context (NP_777367.1, residues 5-25): QKKIIFCMAG[Val15Met]FSFACALGVV